The following is an entry in ClinVar:

NM_002907.4(RECQL):c.907G>C (p.Asp303His)

Gene: RECQL (RecQ like helicase; minus strand). Cytogenetic location: 12p12.1.
Variant type: single nucleotide variant.
Coding change: c.907G>C on transcript NM_002907.4 (MANE Select); coding-DNA position 907, G replaced by C.
Protein change: p.Asp303His; replaces aspartic acid 303 with histidine.
Molecular consequence: missense variant.
Genome position (GRCh38, 1-based): chr12:21,476,953, C>G on the plus strand (G>C on the coding strand, the complement: RECQL is on the minus strand). VCF-style: chr12-21476953-C-G. GRCh37 (hg19) VCF-style: chr12-21629887-C-G.
Other names: c.907G>C, p.Asp303His (NM_032941.3); short protein forms D303H.
Identifiers: ClinVar variation 3431766 (VCV003431766.1).
Genomic context (GRCh38, chr12:21,476,953, plus strand): 5'-GGTTTGTTTTTACATTACCTGATTGCCCTTTGTATCTCCCATTAATGAGCTTTACAATAT[C>G]CTCAATAAAATCTTCAGTGTTTGAGGGCTTCTGCCGAACCTAAAAAAAACTTAACTTATT-3'
Protein context (NP_002898.2, residues 293-313): KPSNTEDFIE[Asp303His]IVKLINGRYK

ClinVar aggregate classification (germline): Uncertain significance (1 of 4 stars; one submission).

gnomAD v4.1: 2 of 1,609,836 alleles (0.00012%); highest among the groups gnomAD compares: East Asian, 0.0022%; no homozygotes.

Submission:

Ambry Genetics
Classification: Uncertain significance. Last evaluated: 2024-11-23. Review status: criteria provided, single submitter. Criteria: Ambry Variant Classification Scheme 2023. Collection method: clinical testing. Allele origin: germline.
Comment: The p.D303H variant (also known as c.907G>C), located in coding exon 7 of the RECQL gene, results from a G to C substitution at nucleotide position 907. The aspartic acid at codon 303 is replaced by histidine, an amino acid with similar properties. This amino acid position is conserved. In addition, the in silico prediction for this alteration is inconclusive. Based on the available evidence, the clinical significance of this variant remains unclear.